The following is an entry in ClinVar:

ClinVar aggregate classification (germline): Benign/Likely benign. Review status: criteria provided, multiple submitters, no conflicts (2 of 4 stars). 4 submissions from 4 submitters: Benign (2); Likely benign (1). 1 of the submissions does not count toward it. Last evaluated 2025-12-22.

Conditions:
KMT2C-related disorder. Also called: KMT2C-related condition; KMT2C-related disorders.

Allele frequency attached by ClinVar (database versions not stated): gnomAD exomes 0.00044 and 0.00124; gnomAD 0.00471 and 0.00506; 1000 Genomes Project 30x 0.00531; TOPMed 0.00535; 1000 Genomes Project 0.00539.
gnomAD v4.1: 1,412 of 1,614,146 alleles (0.087%); highest among the groups gnomAD compares: African/African-American, 1.6%; 6 homozygotes.

Submissions (4):

Labcorp Genetics (formerly Invitae), Labcorp
Classification: Benign. Last evaluated: 2025-12-22. Review status: criteria provided, single submitter. Criteria: Invitae Variant Classification Sherloc (09022015). Collection method: clinical testing. Allele origin: germline.

Blueprint Genetics
Classification: Likely benign. Last evaluated: 2024-11-14. Review status: criteria provided, single submitter. Criteria: ACMG Guidelines, 2015. Collection method: clinical testing. Allele origin: germline.

Breakthrough Genomics
Classification: Benign. Review status: criteria provided, single submitter. Criteria: ACMG Guidelines, 2015. Collection method: not provided. Allele origin: germline. Inheritance: Autosomal dominant inheritance. Affected: yes.

PreventionGenetics, part of Exact Sciences
Classification: Benign for KMT2C-related condition. Last evaluated: 2024-02-12. Review status: no assertion criteria provided. Collection method: clinical testing. Allele origin: germline. Not counted in ClinVar's aggregate classification.
Comment: This variant is classified as benign based on ACMG/AMP sequence variant interpretation guidelines (Richards et al. 2015 PMID: 25741868, with internal and published modifications).

NM_170606.3(KMT2C):c.9150A>G (p.Glu3050=)

Gene: KMT2C (lysine methyltransferase 2C; minus strand). Cytogenetic location: 7q36.1.
Variant type: single nucleotide variant.
Coding change: c.9150A>G on transcript NM_170606.3 (MANE Select); coding-DNA position 9150, A replaced by G.
Protein change: p.Glu3050=; no amino-acid change (glutamic acid 3050 retained).
Molecular consequence: synonymous variant.
Genome position (GRCh38, 1-based): chr7:152,176,303, T>C on the plus strand (A>G on the coding strand, the complement: KMT2C is on the minus strand). VCF-style: chr7-152176303-T-C. GRCh37 (hg19) VCF-style: chr7-151873388-T-C.
Identifiers: ClinVar variation 786552 (VCV000786552.13), dbSNP rs190801251, ClinGen allele CA4579552.